The following is an entry in ClinVar:

NM_001371986.1(UNC80):c.3806G>T (p.Trp1269Leu)

Genes: UNC80 (unc-80 subunit of NALCN channel complex; plus strand), LOC121725110 (Sharpr-MPRA regulatory region 8902; plus strand). Cytogenetic location: 2q34.
Variant type: single nucleotide variant.
Coding change: c.3806G>T on transcript NM_001371986.1 (MANE Select); coding-DNA position 3806, G replaced by T.
Protein change: p.Trp1269Leu; replaces tryptophan 1269 with leucine.
Molecular consequence: missense variant.
Genome position (GRCh38, 1-based): chr2:209,872,936, G>T. VCF-style: chr2-209872936-G-T. GRCh37 (hg19) VCF-style: chr2-210737660-G-T.
Other names: c.3812G>T, p.Trp1271Leu (NM_032504.2); c.3797G>T, p.Trp1266Leu (NM_182587.4); short protein forms W1266L, W1271L, W1269L.
Identifiers: ClinVar variation 1400847 (VCV001400847.6), dbSNP rs1394215007, ClinGen allele CA350742772.

ClinVar aggregate classification (germline): Uncertain significance. Review status: criteria provided, multiple submitters, no conflicts (2 of 4 stars). 2 submissions from 2 submitters: Uncertain significance (2). Last evaluated 2024-10-24.

Allele frequency attached by ClinVar (database versions not stated): gnomAD exomes below 0.00001 and 0.00001.
gnomAD v4.1: 3 of 1,551,588 alleles (0.00019%); highest among the groups gnomAD compares: Non-Finnish European, 0.00026%; no homozygotes.

Submissions (2):

Blueprint Genetics
Classification: Uncertain significance. Last evaluated: 2024-10-24. Review status: criteria provided, single submitter. Criteria: ACMG Guidelines, 2015. Collection method: clinical testing. Allele origin: germline.

Labcorp Genetics (formerly Invitae), Labcorp
Classification: Uncertain significance. Last evaluated: 2021-09-24. Review status: criteria provided, single submitter. Criteria: Invitae Variant Classification Sherloc (09022015). Collection method: clinical testing. Allele origin: germline.
Comment: This sequence change replaces tryptophan with leucine at codon 1271 of the UNC80 protein (p.Trp1271Leu). The tryptophan residue is weakly conserved and there is a small physicochemical difference between tryptophan and leucine. This variant is not present in population databases (ExAC no frequency). This variant has not been reported in the literature in individuals with UNC80-related conditions. Algorithms developed to predict the effect of missense changes on protein structure and function are either unavailable or do not agree on the potential impact of this missense change (SIFT: "Not Available"; PolyPhen-2: "Probably Damaging"; Align-GVGD: "Not Available"). In summary, the available evidence is currently insufficient to determine the role of this variant in disease. Therefore, it has been classified as a Variant of Uncertain Significance.